The following is an entry in ClinVar:

ClinVar aggregate classification (germline): Uncertain significance (1 of 4 stars; one submission).

Conditions:
PLXNA1-related disorder. Also called: PLXNA1-related condition.

Submission:

PreventionGenetics, part of Exact Sciences
Classification: Uncertain significance for PLXNA1-related condition. Last evaluated: 2025-08-24. Review status: criteria provided, single submitter. Criteria: ACMG Guidelines, 2015. Collection method: clinical testing. Allele origin: germline.
Comment: The PLXNA1 c.1687T>C variant is predicted to result in the amino acid substitution p.Cys563Arg. To our knowledge, this variant has not been reported in the literature or in a large population database (gnomAD), indicating this variant is rare. At this time, the clinical significance of this variant is uncertain due to the absence of conclusive functional and genetic evidence.

NM_032242.4(PLXNA1):c.1687T>C (p.Cys563Arg)

Gene: PLXNA1 (plexin A1; plus strand). Cytogenetic location: 3q21.3.
Variant type: single nucleotide variant.
Coding change: c.1687T>C on transcript NM_032242.4 (MANE Select); coding-DNA position 1687, T replaced by C.
Protein change: p.Cys563Arg; replaces cysteine 563 with arginine.
Molecular consequence: missense variant.
Genome position (GRCh38, 1-based): chr3:127,004,952, T>C. VCF-style: chr3-127004952-T-C. GRCh37 (hg19) VCF-style: chr3-126723795-T-C.
Other names: short protein forms C563R.
Identifiers: ClinVar variation 4991967 (VCV004991967.1).